The following is an entry in ClinVar:

ClinVar aggregate classification (germline): Uncertain significance. Review status: criteria provided, multiple submitters, no conflicts (2 of 4 stars). 4 submissions from 4 submitters: Uncertain significance (3). 1 of the submissions does not count toward it. Last evaluated 2025-05-08.

Conditions:
Alagille syndrome due to a NOTCH2 point mutation. Also called: Alagille syndrome 2. Identifiers: Orphanet 261629, Orphanet 52, MedGen C1857761, MONDO:0012439, OMIM 610205.
Hajdu-Cheney syndrome (HJCYS). Also called: ACROOSTEOLYSIS WITH OSTEOPOROSIS AND CHANGES IN SKULL AND MANDIBLE; Acroosteolysis dominant type; SERPENTINE FIBULA-POLYCYSTIC KIDNEY SYNDROME. Identifiers: Orphanet 955, MedGen C0917715, MONDO:0007057, OMIM 102500.

Allele frequency attached by ClinVar (database versions not stated): gnomAD exomes 0.00001 and 0.00006; TOPMed 0.00002; gnomAD 0.00004; ExAC 0.00001.
gnomAD v4.1: 85 of 1,614,100 alleles (0.0053%); highest among the groups gnomAD compares: Non-Finnish European, 0.0069%; no homozygotes.

Submissions (4):

Labcorp Genetics (formerly Invitae), Labcorp
Classification: Uncertain significance for Hajdu-Cheney syndrome. Last evaluated: 2025-05-08. Review status: criteria provided, single submitter. Criteria: Invitae Variant Classification Sherloc (09022015). Collection method: clinical testing. Allele origin: germline.
Comment: This sequence change replaces glutamic acid, which is acidic and polar, with lysine, which is basic and polar, at codon 1772 of the NOTCH2 protein (p.Glu1772Lys). This variant is present in population databases (rs587778576, gnomAD 0.003%). This missense change has been observed in individual(s) with Alagille syndrome (PMID: 31595186). ClinVar contains an entry for this variant (Variation ID: 134980). Invitae Evidence Modeling of protein sequence and biophysical properties (such as structural, functional, and spatial information, amino acid conservation, physicochemical variation, residue mobility, and thermodynamic stability) has been performed for this missense variant. However, the output from this modeling did not meet the statistical confidence thresholds required to predict the impact of this variant on NOTCH2 protein function. In summary, the available evidence is currently insufficient to determine the role of this variant in disease. Therefore, it has been classified as a Variant of Uncertain Significance.

Fulgent Genetics
Classification: Uncertain significance for Hajdu-Cheney syndrome; Alagille syndrome due to a NOTCH2 point mutation. Last evaluated: 2024-03-08. Review status: criteria provided, single submitter. Criteria: ACMG Guidelines, 2015. Collection method: clinical testing. Allele origin: germline.

Eurofins Ntd Llc (ga)
Classification: Uncertain significance. Last evaluated: 2016-07-26. Review status: criteria provided, single submitter. Criteria: EGL Classification Definitions 2015. Collection method: clinical testing. Allele origin: germline. Observed: 2 variant alleles, 2 heterozygotes.

ITMI
No classification provided. Condition: AllHighlyPenetrant. Last evaluated: 2013-09-19. Review status: no classification provided. Collection method: reference population. Allele origin: germline. Not counted in ClinVar's aggregate classification.
Comment: Please see associated publication for description of ethnicities

Literature cited by the submitters: PubMed 31595186 (cited by Labcorp Genetics (formerly Invitae), Labcorp); PubMed 24728327 (cited by ITMI).

NM_024408.4(NOTCH2):c.5314G>A (p.Glu1772Lys)

Gene: NOTCH2 (notch receptor 2; minus strand). Cytogenetic location: 1p12.
Variant type: single nucleotide variant.
Coding change: c.5314G>A on transcript NM_024408.4 (MANE Select); coding-DNA position 5314, G replaced by A.
Protein change: p.Glu1772Lys; replaces glutamic acid 1772 with lysine.
Molecular consequence: missense variant.
Genome position (GRCh38, 1-based): chr1:119,920,394, C>T on the plus strand (G>A on the coding strand, the complement: NOTCH2 is on the minus strand). VCF-style: chr1-119920394-C-T. GRCh37 (hg19) VCF-style: chr1-120463017-C-T.
Other names: short protein forms E1772K.
Identifiers: ClinVar variation 134980 (VCV000134980.7), dbSNP rs587778576, ClinGen allele CA161287.